The following is an entry in ClinVar:

ClinVar aggregate classification (germline): Uncertain significance (1 of 4 stars; one submission).

Allele frequency attached by ClinVar (database versions not stated): gnomAD exomes below 0.00001.
gnomAD v4.1: 1 of 1,612,956 alleles (0.000062%); highest among the groups gnomAD compares: Non-Finnish European, 0.000085%; no homozygotes.

Submission:

Ambry Genetics
Classification: Uncertain significance. Last evaluated: 2022-06-26. Review status: criteria provided, single submitter. Criteria: Ambry Variant Classification Scheme 2023. Collection method: clinical testing. Allele origin: germline.
Comment: The p.V188L variant (also known as c.562G>C), located in coding exon 4 of the POLQ gene, results from a G to C substitution at nucleotide position 562. The valine at codon 188 is replaced by leucine, an amino acid with highly similar properties. This amino acid position is conserved. In addition, this alteration is predicted to be tolerated by in silico analysis. Since supporting evidence is limited at this time, the clinical significance of this alteration remains unclear.

NM_199420.4(POLQ):c.562G>C (p.Val188Leu)

Gene: POLQ (DNA polymerase theta; minus strand). Cytogenetic location: 3q13.33.
Variant type: single nucleotide variant.
Coding change: c.562G>C on transcript NM_199420.4 (MANE Select); coding-DNA position 562, G replaced by C.
Protein change: p.Val188Leu; replaces valine 188 with leucine.
Molecular consequence: missense variant.
Genome position (GRCh38, 1-based): chr3:121,539,502, C>G on the plus strand (G>C on the coding strand, the complement: POLQ is on the minus strand). VCF-style: chr3-121539502-C-G. GRCh37 (hg19) VCF-style: chr3-121258349-C-G.
Other names: short protein forms V188L.
Identifiers: ClinVar variation 1748748 (VCV001748748.2), dbSNP rs1429001248, ClinGen allele CA354091123.